The following is an entry in ClinVar:

ClinVar aggregate classification (germline): Uncertain significance (1 of 4 stars; one submission).

Submission:

Labcorp Genetics (formerly Invitae), Labcorp
Classification: Uncertain significance. Last evaluated: 2025-07-29. Review status: criteria provided, single submitter. Criteria: Invitae Variant Classification Sherloc (09022015). Collection method: clinical testing. Allele origin: germline.
Comment: This sequence change replaces threonine, which is neutral and polar, with asparagine, which is neutral and polar, at codon 1553 of the MYO5B protein (p.Thr1553Asn). This variant is not present in population databases (gnomAD no frequency). This variant has not been reported in the literature in individuals affected with MYO5B-related conditions. Invitae Evidence Modeling of protein sequence and biophysical properties (such as structural, functional, and spatial information, amino acid conservation, physicochemical variation, residue mobility, and thermodynamic stability) indicates that this missense variant is not expected to disrupt MYO5B protein function with a negative predictive value of 80%. In summary, the available evidence is currently insufficient to determine the role of this variant in disease. Therefore, it has been classified as a Variant of Uncertain Significance.

NM_001080467.3(MYO5B):c.4658C>A (p.Thr1553Asn)

Genes: MYO5B (myosin VB; minus strand), SNHG22 (small nucleolar RNA host gene 22; plus strand). Cytogenetic location: 18q21.1.
Variant type: single nucleotide variant.
Coding change: c.4658C>A on transcript NM_001080467.3 (MANE Select); coding-DNA position 4658, C replaced by A.
Protein change: p.Thr1553Asn; replaces threonine 1553 with asparagine.
Molecular consequence: missense variant.
Genome position (GRCh38, 1-based): chr18:49,841,408, G>T on the plus strand (C>A on the coding strand, the complement: MYO5B is on the minus strand). VCF-style: chr18-49841408-G-T. GRCh37 (hg19) VCF-style: chr18-47367778-G-T.
Other names: short protein forms T1553N.
Identifiers: ClinVar variation 4740891 (VCV004740891.1).